The following is an entry in ClinVar:

ClinVar aggregate classification (germline): Uncertain significance (1 of 4 stars; one submission).

Submission:

GeneDx
Classification: Uncertain significance. Last evaluated: 2024-07-22. Review status: criteria provided, single submitter. Criteria: GeneDx Variant Classification Process June 2021. Collection method: clinical testing. Allele origin: germline. Affected: yes.
Comment: Not observed at significant frequency in large population cohorts (gnomAD); In silico analysis supports that this missense variant has a deleterious effect on protein structure/function; Has not been previously published as pathogenic or benign to our knowledge

NM_016333.4(SRRM2):c.1685C>T (p.Ser562Phe)

Gene: SRRM2 (serine/arginine repetitive matrix 2; plus strand). Cytogenetic location: 16p13.3.
Variant type: single nucleotide variant.
Coding change: c.1685C>T on transcript NM_016333.4 (MANE Select); coding-DNA position 1685, C replaced by T.
Protein change: p.Ser562Phe; replaces serine 562 with phenylalanine.
Molecular consequence: missense variant.
Genome position (GRCh38, 1-based): chr16:2,762,213, C>T. VCF-style: chr16-2762213-C-T. GRCh37 (hg19) VCF-style: chr16-2812214-C-T.
Other names: short protein forms S562F.
Identifiers: ClinVar variation 3603027 (VCV003603027.1).